The following is an entry in ClinVar:

NM_177438.3(DICER1):c.5479del (p.Leu1827fs)

Gene: DICER1 (dicer 1, ribonuclease III; minus strand). Cytogenetic location: 14q32.13.
Variant type: Deletion.
Coding change: c.5479del on transcript NM_177438.3 (MANE Select); coding-DNA position 5479, one base deleted (C; older notation c.5479delC).
Protein change: p.Leu1827fs; shifts the reading frame from leucine 1827.
Molecular consequence: frameshift variant. On other transcripts: intron variant (1).
Genome position (GRCh38, 1-based): chr14:95,091,251, G deleted on the plus strand (C on the coding strand, the reverse complement: DICER1 is on the minus strand). VCF-style (leftmost placement, unchanged base first): chr14-95091250-AG-A. GRCh37 (hg19) VCF-style: chr14-95557587-AG-A.
Other names: NM_001195573.1(DICER1):c.5365-142del; c.5479delC (NM_030621.4, NM_177438.2); c.5479del, p.Leu1827fs (NM_001271282.3, NM_001291628.2, NM_030621.4); c.5365-142del (NM_001195573.1); short protein forms L1827fs.
Identifiers: ClinVar variation 477261 (VCV000477261.12), dbSNP rs1555366197, ClinGen allele CA658656432.

ClinVar aggregate classification (germline): Pathogenic. Review status: reviewed by expert panel (3 of 4 stars). 3 submissions from 3 submitters: Pathogenic (1). 2 of the submissions do not count toward it. Last evaluated 2022-05-18.

Conditions:
DICER1-related tumor predisposition. Also called: DICER1-related pleuropulmonary blastoma cancer predisposition syndrome; DICER1 syndrome. Identifiers: Orphanet 284343, MedGen C3839822, MONDO:0100216.

Submissions (3):

ClinGen DICER1 and miRNA-Processing Gene Variant Curation Expert Panel, ClinGen
Classification: Pathogenic for DICER1-related tumor predisposition. Last evaluated: 2022-05-18. Review status: reviewed by expert panel. Criteria: ClinGen DICER1 ACMG Specifications DICER1 v1. Collection method: curation. Allele origin: germline. Inheritance: Autosomal dominant inheritance.
Comment: The NM_177438.2:c.5479del(p.Leu1827fs) variant in DICER1 is a frameshift variant predicted to cause a premature stop codon in biologically-relevant-exon 25/27 leading to nonsense mediated decay in a gene in which loss-of-function is an established disease mechanism (PVS1). This variant received a total of 1 phenotype points across 1 proband with PPB, meeting DICER1 VCEP phenotype specificity scoring criteria of 1-1.5 points (PS4_Supporting, SCV000658348.1). This variant is absent from gnomAD v2.1.1 and v3.1.1 (non-cancer) (PM2_Supporting). In summary, this variant meets the criteria to be classified as PATHOGENIC for DICER1 syndrome based on the ACMG/AMP criteria applied, as specified by the ClinGen DICER1 VCEP: PVS1, PS4_Supporting, PM2_Supporting. (Bayesian Points: 10; VCEP specifications version 1; 02/11/2022)

PreventionGenetics, part of Exact Sciences
Classification: Likely pathogenic. Last evaluated: 2021-03-23. Review status: criteria provided, single submitter. Criteria: ACMG Guidelines, 2015. Collection method: clinical testing. Allele origin: germline. Not counted in ClinVar's aggregate classification.

Labcorp Genetics (formerly Invitae), Labcorp
Classification: Pathogenic for DICER1-related tumor predisposition. Last evaluated: 2017-06-17. Review status: criteria provided, single submitter. Criteria: Invitae Variant Classification Sherloc (09022015). Collection method: clinical testing. Allele origin: germline. Not counted in ClinVar's aggregate classification.
Comment: This sequence change deletes 1 nucleotide from exon 25 of the DICER1 mRNA (c.5479delC), causing a frameshift at codon 1827. This creates a premature translational stop signal (p.Leu1827Trpfs*11) and is expected to result in an absent or disrupted protein product. While this particular variant has not been reported in the literature, loss-of-function variants in DICER1 are known to be pathogenic (PMID: 19556464, 21266384). For these reasons, this variant has been classified as Pathogenic.

Literature cited by the submitters: PubMed 19556464 (cited by Labcorp Genetics (formerly Invitae), Labcorp); PubMed 21266384 (cited by Labcorp Genetics (formerly Invitae), Labcorp).